The following is an entry in ClinVar:

ClinVar aggregate classification (germline): Uncertain significance (1 of 4 stars; one submission).

Submission:

Labcorp Genetics (formerly Invitae), Labcorp
Classification: Uncertain significance. Last evaluated: 2024-09-30. Review status: criteria provided, single submitter. Criteria: Invitae Variant Classification Sherloc (09022015). Collection method: clinical testing. Allele origin: germline.
Comment: This sequence change replaces leucine, which is neutral and non-polar, with methionine, which is neutral and non-polar, at codon 263 of the NR3C1 protein (p.Leu263Met). This variant is not present in population databases (gnomAD no frequency). This variant has not been reported in the literature in individuals affected with NR3C1-related conditions. An algorithm developed to predict the effect of missense changes on protein structure and function (PolyPhen-2) suggests that this variant is likely to be tolerated. In summary, the available evidence is currently insufficient to determine the role of this variant in disease. Therefore, it has been classified as a Variant of Uncertain Significance.

NM_000176.3(NR3C1):c.787C>A (p.Leu263Met)

Gene: NR3C1 (nuclear receptor subfamily 3 group C member 1; minus strand). Cytogenetic location: 5q31.3.
Variant type: single nucleotide variant.
Coding change: c.787C>A on transcript NM_000176.3 (MANE Select); coding-DNA position 787, C replaced by A.
Protein change: p.Leu263Met; replaces leucine 263 with methionine.
Molecular consequence: missense variant. On other transcripts: 5 prime UTR variant (3).
Genome position (GRCh38, 1-based): chr5:143,400,053, G>T on the plus strand (C>A on the coding strand, the complement: NR3C1 is on the minus strand). VCF-style: chr5-143400053-G-T. GRCh37 (hg19) VCF-style: chr5-142779618-G-T.
Other names: c.787C>A, p.Leu263Met (NM_001018074.1, NM_001018075.1, NM_001018076.2 and 10 more transcripts); c.709C>A, p.Leu237Met (NM_001204258.2); c.532C>A, p.Leu178Met (NM_001204259.2); c.520C>A, p.Leu174Met (NM_001204260.2); c.496C>A, p.Leu166Met (NM_001204261.2); c.-159C>A (NM_001204262.2); c.-204C>A (NM_001204263.2); c.-219C>A (NM_001204264.2); short protein forms L174M, L263M, L237M, L166M, L178M.
Identifiers: ClinVar variation 3691574 (VCV003691574.2).
Genomic context (GRCh38, chr5:143,400,053, plus strand): 5'-AATCTTCTTTTTCTGTTTTCACTTGGGGCAGTGTTACATTACTGGGGCTTGACAAAACCA[G>T]ATCTCCATTATCCTTAATTTTGGGTTTAGTGTCCGGTAAAATGAGAGGCTTGCAGTCCTC-3'
Protein context (NP_000167.1, residues 253-273): TKPKIKDNGD[Leu263Met]VLSSPSNVTL